The following is an entry in ClinVar:

NM_004086.3(COCH):c.373+14_373+15delinsAG

Genes: COCH (cochlin; plus strand), COCH-AS1 (COCH antisense RNA 1; minus strand). Cytogenetic location: 14q12.
Variant type: Indel.
Coding change: c.373+14_373+15delinsAG on transcript NM_004086.3 (MANE Select); bases 14 to 15 of the intron after coding-DNA position 373, TT replaced by AG.
Molecular consequence: intron variant.
Genome position (GRCh38, 1-based): chr14:30,878,958-30,878,959, TT replaced by AG. VCF-style: chr14-30878958-TT-AG. GRCh37 (hg19) VCF-style: chr14-31348164-TT-AG.
Other names: c.568+14_568+15delinsAG (NM_001347720.2); c.373+14_373+15delinsAG (NM_001135058.2).
Identifiers: ClinVar variation 4762331 (VCV004762331.1).
Genomic context (GRCh38, chr14:30,878,958, plus strand): 5'-CCAGTCTCAAATGCTTTCTAGATGGTCTGCTTCTTTCACAGTAACTAGTAGGTATAATTA[TT>AG]GTTCTCATTCTGTAATATTCTCCCACCCCCCAAACGTTTTCTGCTTTTTTTAGCTCAGCC-3'

ClinVar aggregate classification (germline): Uncertain significance (1 of 4 stars; one submission).

Submission:

Labcorp Genetics (formerly Invitae), Labcorp
Classification: Uncertain significance. Last evaluated: 2025-06-01. Review status: criteria provided, single submitter. Criteria: Invitae Variant Classification Sherloc (09022015). Collection method: clinical testing. Allele origin: germline.
Comment: This sequence change falls in intron 5 of the COCH gene. It does not directly change the encoded amino acid sequence of the COCH protein. Information on the frequency of this variant in the gnomAD database is not available, as this variant may be reported differently in the database. This variant has not been reported in the literature in individuals affected with COCH-related conditions. Experimental studies and prediction algorithms are not available or were not evaluated, and the effect of this variant on mRNA splicing is currently unknown. In summary, the available evidence is currently insufficient to determine the role of this variant in disease. Therefore, it has been classified as a Variant of Uncertain Significance.